The following is an entry in ClinVar:

ClinVar aggregate classification (germline): Uncertain significance. Review status: criteria provided, multiple submitters, no conflicts (2 of 4 stars). 2 submissions from 2 submitters: Uncertain significance (2). Last evaluated 2025-11-18.

Conditions:
Hereditary cancer-predisposing syndrome. Also called: Neoplastic Syndromes, Hereditary; Tumor predisposition; Hereditary Cancer Syndrome; Hereditary neoplastic syndrome. Identifiers: Orphanet 140162, MedGen C0027672, MeSH D009386, MONDO:0015356.
Familial cancer of breast. Also called: BREAST CANCER, FAMILIAL; Hereditary breast cancer; hereditary breast carcinoma. Identifiers: Orphanet 227535, MedGen C0346153, MONDO:0016419, OMIM 114480. Disease mechanism: loss of function.

gnomAD v4.1: 2 of 1,596,024 alleles (0.00013%); highest among the groups gnomAD compares: Non-Finnish European, 0.00017%; no homozygotes.

Submissions (2):

Labcorp Genetics (formerly Invitae), Labcorp
Classification: Uncertain significance for Familial cancer of breast. Last evaluated: 2025-11-18. Review status: criteria provided, single submitter. Criteria: Invitae Variant Classification Sherloc (09022015). Collection method: clinical testing. Allele origin: germline.
Comment: This sequence change replaces arginine, which is basic and polar, with glycine, which is neutral and non-polar, at codon 523 of the CHEK2 protein (p.Arg523Gly). This variant is not present in population databases (gnomAD no frequency). This variant has not been reported in the literature in individuals affected with CHEK2-related conditions. ClinVar contains an entry for this variant (Variation ID: 142368). An algorithm developed to predict the effect of missense changes on protein structure and function (PolyPhen-2) suggests that this variant is likely to be tolerated. In summary, the available evidence is currently insufficient to determine the role of this variant in disease. Therefore, it has been classified as a Variant of Uncertain Significance.

Ambry Genetics
Classification: Uncertain significance for Hereditary cancer-predisposing syndrome. Last evaluated: 2021-04-30. Review status: criteria provided, single submitter. Criteria: Ambry Variant Classification Scheme 2023. Collection method: clinical testing. Allele origin: germline.
Comment: The p.R523G variant (also known as c.1567C>G), located in coding exon 14 of the CHEK2 gene, results from a C to G substitution at nucleotide position 1567. The arginine at codon 523 is replaced by glycine, an amino acid with dissimilar properties. This variant was reported in 0/60,466 breast cancer cases and in 1/53,461 controls (Dorling et al. N Engl J Med. 2021 02;384:428-439). This amino acid position is poorly conserved in available vertebrate species. In addition, this alteration is predicted to be tolerated by in silico analysis. Since supporting evidence is limited at this time, the clinical significance of this alteration remains unclear.

Literature cited by the submitters: PubMed 33471991 (cited by Ambry Genetics).

NM_007194.4(CHEK2):c.1567C>G (p.Arg523Gly)

Gene: CHEK2 (checkpoint kinase 2; minus strand). Cytogenetic location: 22q12.1.
Variant type: single nucleotide variant.
Coding change: c.1567C>G on transcript NM_007194.4 (MANE Select); coding-DNA position 1567, C replaced by G.
Protein change: p.Arg523Gly; replaces arginine 523 with glycine.
Molecular consequence: missense variant.
Genome position (GRCh38, 1-based): chr22:28,687,962, G>C on the plus strand (C>G on the coding strand, the complement: CHEK2 is on the minus strand). VCF-style: chr22-28687962-G-C. GRCh37 (hg19) VCF-style: chr22-29083950-G-C.
Other names: c.1696C>G, p.Arg566Gly (NM_001005735.3); c.904C>G, p.Arg302Gly (NM_001257387.3); c.1366C>G, p.Arg456Gly (NM_001349956.3); c.1480C>G, p.Arg494Gly (NM_145862.3); short protein forms R523G, R494G, R456G, R302G, R566G.
Identifiers: ClinVar variation 142368 (VCV000142368.12), dbSNP rs149501505, ClinGen allele CA168177.